The following is an entry in ClinVar:

NM_001999.4(FBN2):c.6689A>G (p.Asn2230Ser)

Gene: FBN2 (fibrillin 2; minus strand). Cytogenetic location: 5q23.3.
Variant type: single nucleotide variant.
Coding change: c.6689A>G on transcript NM_001999.4 (MANE Select); coding-DNA position 6689, A replaced by G.
Protein change: p.Asn2230Ser; replaces asparagine 2230 with serine.
Molecular consequence: missense variant.
Genome position (GRCh38, 1-based): chr5:128,288,506, T>C on the plus strand (A>G on the coding strand, the complement: FBN2 is on the minus strand). VCF-style: chr5-128288506-T-C. GRCh37 (hg19) VCF-style: chr5-127624198-T-C.
Other names: short protein forms N2230S.
Identifiers: ClinVar variation 213351 (VCV000213351.2), dbSNP rs863223584, ClinGen allele CA323192.
Genomic context (GRCh38, chr5:128,288,506, plus strand): 5'-TTCATCATGGGCCCTGGCTCAAAGCCTTCATTGCAATTGCATTCAAAACTCCCAATAACA[T>C]TGGTGCATGTACCATTTCCACACGGATTGCCGATTGAACACTCATCAGTATCTGAAAAAG-3'
Protein context (NP_001990.2, residues 2220-2240): GNPCGNGTCT[Asn2230Ser]VIGSFECNCN

ClinVar aggregate classification (germline): Uncertain significance (1 of 4 stars; one submission).

Allele frequency attached by ClinVar (database versions not stated): TOPMed below 0.00001.
gnomAD v4.1: 5 of 1,613,932 alleles (0.00031%); highest among the groups gnomAD compares: Non-Finnish European, 0.00042%; no homozygotes.

Submission:

GeneDx
Classification: Uncertain significance. Last evaluated: 2014-03-15. Review status: criteria provided, single submitter. Criteria: GeneDx Variant Classification (06012015). Collection method: clinical testing. Allele origin: germline. Affected: yes.
Comment: p.Asn2230Ser (AAT>AGT): c.6689 A>G in exon 53 of the FBN2 gene (NM_001999.3) The N2230S variant has not been published as a mutation, nor has it been reported as a benign polymorphism to our knowledge. The N2230S variant was not observed in approximately 6,500 individuals of European and African American ancestry in the NHLBI Exome Sequencing Project, indicating it is not a common benign variant in these populations. Although the N2230S variant is a conservative amino acid substitution, which is not likely to impact secondary protein structure as these residues share similar properties, this substitution occurs at a position that is highly conserved through vertebrates. In silico analysis predicts this variant is probably damaging to the protein structure/function. Nevertheless, no missense mutations in nearby residues have been reported in association with contractural arachnodactyly, suggesting this region of the protein may be tolerant of change. Therefore, based on the currently available information, it is unclear whether this variant is a pathogenic mutation or a rare benign variant.This variant was found in TAAD